The following is an entry in ClinVar:

NM_001042492.3(NF1):c.2258C>T (p.Ala753Val)

Gene: NF1 (neurofibromin 1; plus strand). Cytogenetic location: 17q11.2.
Variant type: single nucleotide variant.
Coding change: c.2258C>T on transcript NM_001042492.3 (MANE Select); coding-DNA position 2258, C replaced by T.
Protein change: p.Ala753Val; replaces alanine 753 with valine.
Molecular consequence: missense variant.
Genome position (GRCh38, 1-based): chr17:31,227,224, C>T. VCF-style: chr17-31227224-C-T. GRCh37 (hg19) VCF-style: chr17-29554242-C-T.
Other names: c.2258C>T, p.Ala753Val (NM_000267.4); short protein forms A753V.
Identifiers: ClinVar variation 1719778 (VCV001719778.5), dbSNP rs2151426843, ClinGen allele CA398982687.

ClinVar aggregate classification (germline): Uncertain significance (1 of 4 stars; one submission).

Conditions:
Neurofibromatosis, type 1 (NF1). Also called: Peripheral type neurofibromatosis; VON RECKLINGHAUSEN DISEASE; NEUROFIBROMATOSIS, TYPE I, SOMATIC; Neurofibromatosis, type I. Identifiers: Orphanet 636, MedGen C0027831, MONDO:0018975, OMIM 162200. Disease mechanism: loss of function.

Submission:

Labcorp Genetics (formerly Invitae), Labcorp
Classification: Uncertain significance for Neurofibromatosis, type 1. Last evaluated: 2022-09-19. Review status: criteria provided, single submitter. Criteria: Invitae Variant Classification Sherloc (09022015). Collection method: clinical testing. Allele origin: germline.
Comment: In summary, the available evidence is currently insufficient to determine the role of this variant in disease. Therefore, it has been classified as a Variant of Uncertain Significance. Advanced modeling of protein sequence and biophysical properties (such as structural, functional, and spatial information, amino acid conservation, physicochemical variation, residue mobility, and thermodynamic stability) performed at Invitae indicates that this missense variant is not expected to disrupt NF1 protein function. This variant has not been reported in the literature in individuals affected with NF1-related conditions. This sequence change replaces alanine, which is neutral and non-polar, with valine, which is neutral and non-polar, at codon 753 of the NF1 protein (p.Ala753Val). This variant is not present in population databases (gnomAD no frequency).